The following is an entry in ClinVar:

ClinVar aggregate classification (germline): Uncertain significance (1 of 4 stars; one submission).

Submission:

Labcorp Genetics (formerly Invitae), Labcorp
Classification: Uncertain significance. Last evaluated: 2024-03-16. Review status: criteria provided, single submitter. Criteria: Invitae Variant Classification Sherloc (09022015). Collection method: clinical testing. Allele origin: germline.
Comment: This variant, c.5508_5509delinsCC, is a complex sequence change that results in the deletion of 2 and insertion of 2 amino acid(s) in the MYH3 protein (p.Glu1836_Ser1837delinsAspPro). Information on the frequency of this variant in the gnomAD database is not available, as this variant may be reported differently in the database. This variant has not been reported in the literature in individuals affected with MYH3-related conditions. Experimental studies and prediction algorithms are not available or were not evaluated, and the functional significance of this variant is currently unknown. In summary, the available evidence is currently insufficient to determine the role of this variant in disease. Therefore, it has been classified as a Variant of Uncertain Significance.

NM_002470.4(MYH3):c.5508_5509delinsCC (p.Glu1836_Ser1837delinsAspPro)

Gene: MYH3 (myosin heavy chain 3; minus strand). Cytogenetic location: 17p13.1.
Variant type: Indel.
Coding change: c.5508_5509delinsCC on transcript NM_002470.4 (MANE Select); coding-DNA positions 5508 to 5509, GT replaced by CC.
Protein change: p.Glu1836_Ser1837delinsAspPro.
Molecular consequence: missense variant.
Genome position (GRCh38, 1-based): chr17:10,630,145-10,630,146, AC replaced by GG on the plus strand (GT replaced by CC on the coding strand, the reverse complement: MYH3 is on the minus strand). VCF-style: chr17-10630145-AC-GG. GRCh37 (hg19) VCF-style: chr17-10533462-AC-GG.
Identifiers: ClinVar variation 2979071 (VCV002979071.3), dbSNP rs2508561484, ClinGen allele CA2740095270.